The following is an entry in ClinVar:

NM_006659.4(TUBGCP2):c.648C>T (p.Ala216=)

Genes: TUBGCP2 (tubulin gamma complex component 2; minus strand), LOC126861106 (P300/CBP strongly-dependent group 1 enhancer GRCh37_chr10:135106330-135107529; plus strand). Cytogenetic location: 10q26.3.
Variant type: single nucleotide variant.
Coding change: c.648C>T on transcript NM_006659.4 (MANE Select); coding-DNA position 648, C replaced by T.
Protein change: p.Ala216=; no amino-acid change (alanine 216 retained).
Molecular consequence: synonymous variant. On other transcripts: non-coding transcript variant (1).
Genome position (GRCh38, 1-based): chr10:133,293,738, G>A on the plus strand (C>T on the coding strand, the complement: TUBGCP2 is on the minus strand). VCF-style: chr10-133293738-G-A. GRCh37 (hg19) VCF-style: chr10-135107242-G-A.
Other names: c.732C>T, p.Ala244= (NM_001256617.2); c.258C>T, p.Ala86= (NM_001256618.2).
Identifiers: ClinVar variation 3042706 (VCV003042706.3), dbSNP rs547375200, ClinGen allele CA5764401.

ClinVar aggregate classification (germline): Likely benign. Review status: criteria provided, single submitter (1 of 4 stars). 2 submissions from 2 submitters: Likely benign (1). 1 of the submissions does not count toward it. Last evaluated 2026-07-01.

Conditions:
TUBGCP2-related disorder. Also called: TUBGCP2-related condition.

Allele frequency attached by ClinVar (database versions not stated): 1000 Genomes Project 30x 0.00016; 1000 Genomes Project 0.00020.
gnomAD v4.1: 268 of 1,599,820 alleles (0.017%); highest among the groups gnomAD compares: Admixed American, 0.33%; 1 homozygote.

Submissions (2):

CeGaT Center for Human Genetics Tuebingen
Classification: Likely benign. Last evaluated: 2026-07-01. Review status: criteria provided, single submitter. Criteria: CeGaT Center For Human Genetics Tuebingen Variant Classification Criteria Version 2. Collection method: clinical testing. Allele origin: germline. Affected: yes. Observed: 1 variant allele.
Comment: TUBGCP2: BP4, BP7

PreventionGenetics, part of Exact Sciences
Classification: Likely benign for TUBGCP2-related condition. Last evaluated: 2023-02-07. Review status: no assertion criteria provided. Collection method: clinical testing. Allele origin: germline. Not counted in ClinVar's aggregate classification.
Comment: This variant is classified as likely benign based on ACMG/AMP sequence variant interpretation guidelines (Richards et al. 2015 PMID: 25741868, with internal and published modifications).